The following is an entry in ClinVar:

NM_001323289.2(CDKL5):c.692del (p.Pro231fs)

Gene: CDKL5 (cyclin dependent kinase like 5; plus strand). Cytogenetic location: Xp22.13.
Variant type: Deletion.
Coding change: c.692del on transcript NM_001323289.2 (MANE Select); coding-DNA position 692, one base deleted (C; older notation c.692delC).
Protein change: p.Pro231fs; shifts the reading frame from proline 231.
Molecular consequence: frameshift variant.
Genome position (GRCh38, 1-based): chrX:18,588,091, C deleted; the last of 2 consecutive C bases (chrX:18,588,090-18,588,091); deleting either gives the same sequence. VCF-style (leftmost placement, unchanged base first): chrX-18588089-TC-T. GRCh37 (hg19) VCF-style: chrX-18606209-TC-T.
Other names: c.692del, p.Pro231fs (NM_001037343.2, NM_003159.3); c.692del (NM_003159.2); short protein forms P231fs.
Identifiers: ClinVar variation 2927402 (VCV002927402.4), dbSNP rs2518857554, ClinGen allele CA2695231333.
Genomic context (GRCh38, chrX:18,588,089, plus strand): 5'-ATTTCCTGGAGAAAGTGAAATTGACCAACTTTTTACTATTCAGAAGGTGCTAGGACCACT[TC>T]CATCTGAGCAGATGAAGCTTTTCTACAGTAATCCTCGCTTCCATGGGCTCCGGGTAAGAG-3'

ClinVar aggregate classification (germline): Pathogenic. Review status: criteria provided, multiple submitters, no conflicts (2 of 4 stars). 2 submissions from 2 submitters: Pathogenic (2). Last evaluated 2025-03-11.

Conditions:
Developmental and epileptic encephalopathy, 2 (DEE2). Also called: INFANTILE SPASM SYNDROME, X-LINKED 2; CDKL5 deficiency disorder. Identifiers: Orphanet 1934, Orphanet 3451, Orphanet 505652, MedGen C4750718, MONDO:0010396, OMIM 300672.
Angelman syndrome-like. Identifiers: MedGen CN128785.

Submissions (2):

GeneDx
Classification: Pathogenic. Last evaluated: 2025-03-11. Review status: criteria provided, single submitter. Criteria: GeneDx Variant Classification Process June 2021. Collection method: clinical testing. Allele origin: germline. Affected: yes.
Comment: Reported in a proband in the published literature with a CDKL5-related disorder; however, detailed clinical information and segregation information were not provided (PMID: 31313283); Frameshift variant predicted to result in protein truncation or nonsense mediated decay in a gene for which loss of function is a known mechanism of disease; Not observed at significant frequency in large population cohorts (gnomAD); This variant is associated with the following publications: (PMID: 31313283)

Labcorp Genetics (formerly Invitae), Labcorp
Classification: Pathogenic for Developmental and epileptic encephalopathy, 2; Angelman syndrome-like. Last evaluated: 2022-10-27. Review status: criteria provided, single submitter. Criteria: Invitae Variant Classification Sherloc (09022015). Collection method: clinical testing. Allele origin: germline.
Comment: This variant is not present in population databases (gnomAD no frequency). This sequence change creates a premature translational stop signal (p.Pro231Hisfs*5) in the CDKL5 gene. It is expected to result in an absent or disrupted protein product. Loss-of-function variants in CDKL5 are known to be pathogenic (PMID: 22872100). This premature translational stop signal has been observed in individual(s) with CDKL5-related conditions (PMID: 31313283). For these reasons, this variant has been classified as Pathogenic.

Literature cited by the submitters: PubMed 22872100 (cited by Labcorp Genetics (formerly Invitae), Labcorp); PubMed 31313283 (cited by Labcorp Genetics (formerly Invitae), Labcorp).